The following is an entry in ClinVar:

ClinVar aggregate classification (germline): Uncertain significance (1 of 4 stars; one submission).

Submission:

Mayo Clinic Laboratories, Mayo Clinic
Classification: Uncertain significance. Last evaluated: 2024-07-29. Review status: criteria provided, single submitter. Criteria: ACMG Guidelines, 2015. Collection method: clinical testing. Allele origin: germline. Observed: 1 variant allele.
Comment: PM2, PM4

NM_021076.4(NEFH):c.470_487dup (p.Ala162_Ala163insValLeuArgLeuGlyAla)

Gene: NEFH (neurofilament heavy chain; plus strand). Cytogenetic location: 22q12.2.
Variant type: Duplication.
Coding change: c.470_487dup on transcript NM_021076.4 (MANE Select); coding-DNA positions 470 to 487, 18 bases duplicated (TGCTGCGCCTGGGCGCGG).
Protein change: p.Ala162_Ala163insValLeuArgLeuGlyAla.
Genome position (GRCh38, 1-based): chr22:29,480,732-29,480,749, TGCTGCGCCTGGGCGCGG duplicated; duplicating any 18 consecutive bases within chr22:29,480,725-29,480,749 gives the same sequence; the c. name uses the placement nearest the transcript's 3' end. VCF-style (leftmost placement, unchanged base first): chr22-29480724-C-CGGCGCGGTGCTGCGCCTG. GRCh37 (hg19) VCF-style: chr22-29876713-C-CGGCGCGGTGCTGCGCCTG.
Other names: p.Val157_Ala162dup.
Identifiers: ClinVar variation 3380704 (VCV003380704.1).